The following is an entry in ClinVar:

ClinVar aggregate classification (germline): Uncertain significance. Review status: criteria provided, multiple submitters, no conflicts (2 of 4 stars). 2 submissions from 2 submitters: Uncertain significance (2). Last evaluated 2025-01-06.

Allele frequency attached by ClinVar (database versions not stated): TOPMed below 0.00001.
gnomAD v4.1: 1 of 1,590,496 alleles (0.000063%); highest among the groups gnomAD compares: Non-Finnish European, 0.000085%; no homozygotes.

Submissions (2):

Ambry Genetics
Classification: Uncertain significance. Last evaluated: 2025-01-06. Review status: criteria provided, single submitter. Criteria: Ambry Variant Classification Scheme 2023. Collection method: clinical testing. Allele origin: germline.
Comment: The p.T587N variant (also known as c.1760C>A), located in coding exon 13 of the RECQL gene, results from a C to A substitution at nucleotide position 1760. The threonine at codon 587 is replaced by asparagine, an amino acid with similar properties. This amino acid position is conserved. In addition, this alteration is predicted to be tolerated by in silico analysis. Since supporting evidence is limited at this time, the clinical significance of this alteration remains unclear.

Labcorp Genetics (formerly Invitae), Labcorp
Classification: Uncertain significance. Last evaluated: 2022-12-15. Review status: criteria provided, single submitter. Criteria: Invitae Variant Classification Sherloc (09022015). Collection method: clinical testing. Allele origin: germline.
Comment: In summary, the available evidence is currently insufficient to determine the role of this variant in disease. Therefore, it has been classified as a Variant of Uncertain Significance. Advanced modeling of protein sequence and biophysical properties (such as structural, functional, and spatial information, amino acid conservation, physicochemical variation, residue mobility, and thermodynamic stability) performed at Invitae indicates that this missense variant is not expected to disrupt RECQL protein function. This variant has not been reported in the literature in individuals affected with RECQL-related conditions. This variant is not present in population databases (gnomAD no frequency). This sequence change replaces threonine, which is neutral and polar, with asparagine, which is neutral and polar, at codon 587 of the RECQL protein (p.Thr587Asn).

NM_002907.4(RECQL):c.1760C>A (p.Thr587Asn)

Genes: PYROXD1 (pyridine nucleotide-disulphide oxidoreductase domain 1; plus strand), RECQL (RecQ like helicase; minus strand). Cytogenetic location: 12p12.1.
Variant type: single nucleotide variant.
Coding change: c.1760C>A on transcript NM_002907.4 (MANE Select); coding-DNA position 1760, C replaced by A.
Protein change: p.Thr587Asn; replaces threonine 587 with asparagine.
Molecular consequence: missense variant. On other transcripts: 3 prime UTR variant (3).
Genome position (GRCh38, 1-based): chr12:21,471,006, G>T on the plus strand (C>A on the coding strand, the complement: RECQL is on the minus strand). VCF-style: chr12-21471006-G-T. GRCh37 (hg19) VCF-style: chr12-21623940-G-T.
Other names: c.1760C>A, p.Thr587Asn (NM_032941.3); c.*2252G>T (NM_001350912.2, NM_001350913.2, NM_024854.5); short protein forms T587N.
Identifiers: ClinVar variation 2446910 (VCV002446910.6), dbSNP rs138651198, ClinGen allele CA384114461.